The following is an entry in ClinVar:

ClinVar aggregate classification (germline): Likely benign. Review status: criteria provided, multiple submitters, no conflicts (2 of 4 stars). 2 submissions from 2 submitters: Likely benign (2). Last evaluated 2026-09-01.

Allele frequency attached by ClinVar (database versions not stated): gnomAD 0.00001; gnomAD exomes 0.00001; TOPMed 0.00003.
gnomAD v4.1: 11 of 1,613,880 alleles (0.00068%); highest among the groups gnomAD compares: Non-Finnish European, 0.00059%; no homozygotes.

Submissions (2):

CeGaT Center for Human Genetics Tuebingen
Classification: Likely benign. Last evaluated: 2026-09-01. Review status: criteria provided, single submitter. Criteria: CeGaT Center For Human Genetics Tuebingen Variant Classification Criteria Version 2. Collection method: clinical testing. Allele origin: germline. Affected: yes. Observed: 1 variant allele.
Comment: TCF20: BP4

Labcorp Genetics (formerly Invitae), Labcorp
Classification: Likely benign. Last evaluated: 2023-06-11. Review status: criteria provided, single submitter. Criteria: Invitae Variant Classification Sherloc (09022015). Collection method: clinical testing. Allele origin: germline.

NM_001378418.1(TCF20):c.33C>T (p.His11=)

Gene: TCF20 (transcription factor 20; minus strand). Cytogenetic location: 22q13.2.
Variant type: single nucleotide variant.
Coding change: c.33C>T on transcript NM_001378418.1 (MANE Select); coding-DNA position 33, C replaced by T.
Protein change: p.His11=; no amino-acid change (histidine 11 retained).
Molecular consequence: synonymous variant.
Genome position (GRCh38, 1-based): chr22:42,215,273, G>A on the plus strand (C>T on the coding strand, the complement: TCF20 is on the minus strand). VCF-style: chr22-42215273-G-A. GRCh37 (hg19) VCF-style: chr22-42611279-G-A.
Other names: c.33C>T, p.His11= (NM_005650.4, NM_181492.3).
Identifiers: ClinVar variation 2715534 (VCV002715534.4), dbSNP rs1456848973, ClinGen allele CA514804079.